The following is an entry in ClinVar:

ClinVar aggregate classification (germline): Uncertain significance. Review status: criteria provided, multiple submitters, no conflicts (2 of 4 stars). 3 submissions from 3 submitters: Uncertain significance (3). Last evaluated 2024-09-02.

Conditions:
Leukodystrophy, hypomyelinating, 15. Identifiers: MedGen C4693733, MONDO:0054782, OMIM 617951.
Inborn genetic diseases. Identifiers: MedGen C0950123, MeSH D030342.

gnomAD v4.1: 5 of 1,614,040 alleles (0.00031%); highest among the groups gnomAD compares: East Asian, 0.0089%; no homozygotes.

Submissions (3):

Labcorp Genetics (formerly Invitae), Labcorp
Classification: Uncertain significance. Last evaluated: 2024-09-02. Review status: criteria provided, single submitter. Criteria: Invitae Variant Classification Sherloc (09022015). Collection method: clinical testing. Allele origin: germline.
Comment: This sequence change replaces tyrosine, which is neutral and polar, with serine, which is neutral and polar, at codon 1054 of the EPRS protein (p.Tyr1054Ser). This variant is present in population databases (rs146881805, gnomAD 0.02%). This variant has not been reported in the literature in individuals affected with EPRS-related conditions. An algorithm developed to predict the effect of missense changes on protein structure and function (PolyPhen-2) suggests that this variant is likely to be tolerated. In summary, the available evidence is currently insufficient to determine the role of this variant in disease. Therefore, it has been classified as a Variant of Uncertain Significance.

3billion
Classification: Uncertain significance for Leukodystrophy, hypomyelinating, 15. Last evaluated: 2024-07-24. Review status: criteria provided, single submitter. Criteria: ACMG Guidelines, 2015. Collection method: clinical testing. Allele origin: germline. Affected: yes.
Comment: The variant is observed at an extremely low frequency in the gnomAD v4.0.0 dataset (total allele frequency: <0.001%). Predicted Consequence/Location: Missense variant In silico tool predictions suggest no damaging effect of the variant on gene or gene product [REVEL: 0.21 (<0.4); 3Cnet: 0.01 (<0.15, specificity 0.78 and negative predictive value 0.92)]. The variant has been reported as of uncertain significance (ClinVar ID: VCV002987688; 3billion dataset). Therefore, this variant is classified as VUS according to the recommendation of ACMG/AMP guideline.

Ambry Genetics
Classification: Uncertain significance for Inborn genetic diseases. Last evaluated: 2024-01-09. Review status: criteria provided, single submitter. Criteria: Ambry Variant Classification Scheme 2023. Collection method: clinical testing. Allele origin: germline.

NM_004446.3(EPRS1):c.3161A>C (p.Tyr1054Ser)

Gene: EPRS1 (glutamyl-prolyl-tRNA synthetase 1; minus strand). Cytogenetic location: 1q41.
Variant type: single nucleotide variant.
Coding change: c.3161A>C on transcript NM_004446.3 (MANE Select); coding-DNA position 3161, A replaced by C.
Protein change: p.Tyr1054Ser; replaces tyrosine 1054 with serine.
Molecular consequence: missense variant.
Genome position (GRCh38, 1-based): chr1:219,983,328, T>G on the plus strand (A>C on the coding strand, the complement: EPRS1 is on the minus strand). VCF-style: chr1-219983328-T-G. GRCh37 (hg19) VCF-style: chr1-220156670-T-G.
Other names: c.3161A>C (NM_004446.2); short protein forms Y1054S.
Identifiers: ClinVar variation 2987688 (VCV002987688.5), dbSNP rs146881805, ClinGen allele CA1399770.
Genomic context (GRCh38, chr1:219,983,328, plus strand): 5'-TCAACACCAAGTTTCTTGATCTCAGCATCAAAAAAGTCCTTGATGGCTTCCCAAATGGCA[T>G]AGGCCCAGGGACGAAGAATATAACAGCCACTTATGTCATGGTATTCAATCATTTCTGACT-3'
Protein context (NP_004437.2, residues 1044-1064): SGCYILRPWA[Tyr1054Ser]AIWEAIKDFF